The following is an entry in ClinVar:

NM_000036.3(AMPD1):c.215+1G>A

Gene: AMPD1 (adenosine monophosphate deaminase 1; minus strand). Cytogenetic location: 1p13.2.
Variant type: single nucleotide variant.
Coding change: c.215+1G>A on transcript NM_000036.3 (MANE Select); the canonical splice donor site of the intron after coding-DNA position 215, G replaced by A.
Molecular consequence: splice donor variant.
Genome position (GRCh38, 1-based): chr1:114,688,560, C>T on the plus strand (G>A on the coding strand, the complement: AMPD1 is on the minus strand). VCF-style: chr1-114688560-C-T. GRCh37 (hg19) VCF-style: chr1-115231181-C-T.
Other names: c.203+1G>A (NM_001172626.2).
Identifiers: ClinVar variation 2418273 (VCV002418273.7), dbSNP rs750719292, ClinGen allele CA1020528.

ClinVar aggregate classification (germline): Uncertain significance (1 of 4 stars; one submission).

Conditions:
Muscle AMP deaminase deficiency (MMDD). Also called: Myoadenylate deaminase deficiency, myopathy due to; Adenosine monophosphate deaminase 1 deficiency; AMP deaminase 1 deficiency; Adenosine Monophosphate Deaminase 1; ADENOSINE MONOPHOSPHATE DEAMINASE-1 DEFICIENCY, MYOPATHY DUE TO; AMPD1 DEFICIENCY. Identifiers: Orphanet 45, MedGen C3714933, MONDO:0014220, OMIM 615511.

Allele frequency attached by ClinVar (database versions not stated): gnomAD exomes below 0.00001; TOPMed below 0.00001; ExAC 0.00001; gnomAD 0.00001.
gnomAD v4.1: 2 of 1,614,048 alleles (0.00012%); highest among the groups gnomAD compares: African/African-American, 0.0013%; no homozygotes.

Submission:

Labcorp Genetics (formerly Invitae), Labcorp
Classification: Uncertain significance for Muscle AMP deaminase deficiency. Last evaluated: 2022-08-23. Review status: criteria provided, single submitter. Criteria: Invitae Variant Classification Sherloc (09022015). Collection method: clinical testing. Allele origin: germline.
Comment: In summary, the available evidence is currently insufficient to determine the role of this variant in disease. Therefore, it has been classified as a Variant of Uncertain Significance. Algorithms developed to predict the effect of sequence changes on RNA splicing suggest that this variant may disrupt the consensus splice site. This variant has not been reported in the literature in individuals affected with AMPD1-related conditions. This variant is present in population databases (rs750719292, gnomAD 0.007%). This sequence change affects a donor splice site in intron 3 of the AMPD1 gene. It is expected to disrupt RNA splicing. Variants that disrupt the donor or acceptor splice site typically lead to a loss of protein function (PMID: 16199547), however the current clinical and genetic evidence is not sufficient to establish whether loss-of-function variants in AMPD1 cause disease.

Literature cited by the submitters: PubMed 16199547.